The following is an entry in ClinVar:

ClinVar aggregate classification (germline): Conflicting classifications of pathogenicity. Review status: criteria provided, conflicting classifications (1 of 4 stars). 2 submissions from 2 submitters: Uncertain significance (1); Likely benign (1). Last evaluated 2022-11-01.

Conditions:
Pyruvate dehydrogenase E1-alpha deficiency (PDHAD). Also called: ATAXIA, INTERMITTENT, WITH PYRUVATE DEHYDROGENASE DEFICIENCY; ATAXIA WITH LACTIC ACIDOSIS I; ATAXIA, INTERMITTENT, WITH ABNORMAL PYRUVATE METABOLISM; Ataxia, intermittent, with pyruvate dehydrogenase, or decarboxylase, deficiency. Identifiers: Orphanet 79243, MedGen C1839413, MONDO:0010717, OMIM 312170.

Allele frequency attached by ClinVar (database versions not stated): 1000 Genomes Project 0.00026; 1000 Genomes Project 30x 0.00042; TOPMed 0.00095; gnomAD 0.00112 and 0.00114; gnomAD exomes 0.00130.
gnomAD v4.1: 153 of 134,962 alleles (0.11%); highest among the groups gnomAD compares: Non-Finnish European, 0.2%; no homozygotes.

Submissions (2):

CeGaT Center for Human Genetics Tuebingen
Classification: Likely benign. Last evaluated: 2022-11-01. Review status: criteria provided, single submitter. Criteria: CeGaT Center For Human Genetics Tuebingen Variant Classification Criteria Version 2. Collection method: clinical testing. Allele origin: germline. Affected: yes. Observed: 2 variant alleles.
Comment: PDHA1: BS2

Illumina Laboratory Services, Illumina
Classification: Uncertain significance for Pyruvate dehydrogenase E1-alpha deficiency. Last evaluated: 2018-01-12. Review status: criteria provided, single submitter. Criteria: ICSL Variant Classification Criteria 13 December 2019. Collection method: clinical testing. Allele origin: germline.

NM_000284.4(PDHA1):c.*575T>C

Genes: MAP3K15 (mitogen-activated protein kinase kinase kinase 15; minus strand), PDHA1 (pyruvate dehydrogenase E1 subunit alpha 1; plus strand). Cytogenetic location: Xp22.12.
Variant type: single nucleotide variant.
Coding change: c.*575T>C on transcript NM_000284.4 (MANE Select); 575 bases downstream of the stop codon, T replaced by C.
Molecular consequence: 3 prime UTR variant.
Genome position (GRCh38, 1-based): chrX:19,360,228, T>C. VCF-style: chrX-19360228-T-C. GRCh37 (hg19) VCF-style: chrX-19378346-T-C.
Other names: c.*521A>G (NM_001001671.4); c.*575T>C (NM_001173454.2, NM_001173455.2, NM_001173456.2).
Identifiers: ClinVar variation 914459 (VCV000914459.28), dbSNP rs191995452, ClinGen allele CA327032079.